The following is an entry in ClinVar:

ClinVar aggregate classification (germline): Uncertain significance (1 of 4 stars; one submission).

Submission:

Labcorp Genetics (formerly Invitae), Labcorp
Classification: Uncertain significance. Last evaluated: 2022-08-19. Review status: criteria provided, single submitter. Criteria: Invitae Variant Classification Sherloc (09022015). Collection method: clinical testing. Allele origin: germline.
Comment: In summary, the available evidence is currently insufficient to determine the role of this variant in disease. Therefore, it has been classified as a Variant of Uncertain Significance. Algorithms developed to predict the effect of missense changes on protein structure and function (SIFT, PolyPhen-2, Align-GVGD) all suggest that this variant is likely to be disruptive. This variant has not been reported in the literature in individuals affected with TFRC-related conditions. This variant is not present in population databases (gnomAD no frequency). This sequence change replaces tryptophan, which is neutral and slightly polar, with leucine, which is neutral and non-polar, at codon 641 of the TFRC protein (p.Trp641Leu).

NM_001128148.3(TFRC):c.1922G>T (p.Trp641Leu)

Gene: TFRC (transferrin receptor; minus strand). Cytogenetic location: 3q29.
Variant type: single nucleotide variant.
Coding change: c.1922G>T on transcript NM_001128148.3 (MANE Select); coding-DNA position 1922, G replaced by T.
Protein change: p.Trp641Leu; replaces tryptophan 641 with leucine.
Molecular consequence: missense variant.
Genome position (GRCh38, 1-based): chr3:196,053,536, C>A on the plus strand (G>T on the coding strand, the complement: TFRC is on the minus strand). VCF-style: chr3-196053536-C-A. GRCh37 (hg19) VCF-style: chr3-195780407-C-A.
Other names: c.1679G>T, p.Trp560Leu (NM_001313965.2); c.1076G>T, p.Trp359Leu (NM_001313966.2); c.1922G>T, p.Trp641Leu (NM_003234.4); short protein forms W359L, W560L, W641L.
Identifiers: ClinVar variation 1716940 (VCV001716940.5), dbSNP rs1229248979, ClinGen allele CA355561480.